The following is an entry in ClinVar:

ClinVar aggregate classification (germline): Pathogenic. Review status: criteria provided, multiple submitters, no conflicts (2 of 4 stars). 4 submissions from 4 submitters: Pathogenic (4). Last evaluated 2025-06-08.

Conditions:
Hereditary cancer-predisposing syndrome. Also called: Tumor predisposition; Hereditary Cancer Syndrome; Hereditary neoplastic syndrome; Neoplastic Syndromes, Hereditary. Identifiers: Orphanet 140162, MedGen C0027672, MeSH D009386, MONDO:0015356.
Familial cancer of breast. Also called: BREAST CANCER, FAMILIAL; hereditary breast carcinoma; Hereditary breast cancer. Identifiers: Orphanet 227535, MedGen C0346153, MONDO:0016419, OMIM 114480. Disease mechanism: loss of function.
Ataxia-telangiectasia syndrome (AT). Also called: LOUIS-BAR SYNDROME; Cerebello-oculocutaneous telangiectasia; Immunodeficiency with ataxia telangiectasia; ATAXIA-TELANGIECTASIA, COMPLEMENTATION GROUP A; ATAXIA-TELANGIECTASIA, FRESNO VARIANT; Ataxia-telangiectasia. Identifiers: Orphanet 100, MedGen C0004135, MONDO:0008840, OMIM 208900.

Allele frequency attached by ClinVar (database versions not stated): gnomAD exomes below 0.00001.

Submissions (4):

Labcorp Genetics (formerly Invitae), Labcorp
Classification: Pathogenic for Ataxia-telangiectasia syndrome. Last evaluated: 2025-06-08. Review status: criteria provided, single submitter. Criteria: Invitae Variant Classification Sherloc (09022015). Collection method: clinical testing. Allele origin: germline.
Comment: This sequence change creates a premature translational stop signal (p.Trp579*) in the ATM gene. It is expected to result in an absent or disrupted protein product. Loss-of-function variants in ATM are known to be pathogenic (PMID: 23807571, 25614872). This variant is not present in population databases (gnomAD no frequency). This premature translational stop signal has been observed in individual(s) with breast cancer (PMID: 28779002). ClinVar contains an entry for this variant (Variation ID: 184782). Algorithms developed to predict the effect of sequence changes on RNA splicing suggest that this variant may disrupt the consensus splice site. For these reasons, this variant has been classified as Pathogenic.

Myriad Genetics, Inc.
Classification: Pathogenic for Familial cancer of breast. Last evaluated: 2024-01-16. Review status: criteria provided, single submitter. Criteria: Myriad Autosomal Dominant, Autosomal Recessive and X-Linked Classification Criteria (2023). Collection method: clinical testing. Allele origin: unknown.
Comment: This variant is considered pathogenic. This variant creates a termination codon and is predicted to result in premature protein truncation.

Ambry Genetics
Classification: Pathogenic for Hereditary cancer-predisposing syndrome. Last evaluated: 2023-02-28. Review status: criteria provided, single submitter. Criteria: Ambry Variant Classification Scheme 2023. Collection method: clinical testing. Allele origin: germline.
Comment: The p.W579* pathogenic mutation (also known as c.1737G>A), located in coding exon 10 of the ATM gene, results from a G to A substitution at nucleotide position 1737. This changes the amino acid from a tryptophan to a stop codon within coding exon 10. This alteration is expected to result in loss of function by premature protein truncation or nonsense-mediated mRNA decay. As such, this alteration is interpreted as a disease-causing mutation.

Color Diagnostics, LLC DBA Color Health
Classification: Pathogenic for Hereditary cancer-predisposing syndrome. Last evaluated: 2020-01-15. Review status: criteria provided, single submitter. Criteria: ACMG Guidelines, 2015. Collection method: clinical testing. Allele origin: germline.
Comment: This variant changes 1 nucleotide in exon 11 of the ATM gene, creating a premature translation stop signal. This variant is expected to result in an absent or non-functional protein product. This variant has not been identified in the general population by the Genome Aggregation Database (gnomAD). Loss of ATM function is a known mechanism of disease. Based on the available evidence, this variant is classified as Pathogenic.

Literature cited by the submitters: PubMed 23807571 (cited by Labcorp Genetics (formerly Invitae), Labcorp); PubMed 25614872 (cited by Labcorp Genetics (formerly Invitae), Labcorp); PubMed 28779002 (cited by Labcorp Genetics (formerly Invitae), Labcorp and Ambry Genetics).

NM_000051.4(ATM):c.1737G>A (p.Trp579Ter)

Gene: ATM (ATM serine/threonine kinase; plus strand). Cytogenetic location: 11q22.3.
Variant type: single nucleotide variant.
Coding change: c.1737G>A on transcript NM_000051.4 (MANE Select); coding-DNA position 1737, G replaced by A.
Protein change: p.Trp579Ter; replaces tryptophan 579 with a stop codon.
Molecular consequence: nonsense.
Genome position (GRCh38, 1-based): chr11:108,251,966, G>A. VCF-style: chr11-108251966-G-A. GRCh37 (hg19) VCF-style: chr11-108122693-G-A.
Other names: c.1737G>A, p.Trp579Ter (NM_001351834.2); short protein forms W579*.
Identifiers: ClinVar variation 184782 (VCV000184782.19), dbSNP rs786201689, ClinGen allele CA190035.